The following is an entry in ClinVar:

ClinVar aggregate classification (germline): Likely pathogenic (1 of 4 stars; one submission).

Conditions:
Autosomal recessive congenital ichthyosis 1 (LI1). Also called: LAMELLAR EXFOLIATION OF NEWBORN; COLLODION FETUS; DESQUAMATION OF NEWBORN; ICHTHYOSIS CONGENITA; ICHTHYOSIS CONGENITA II; ICHTHYOSIS, CONGENITAL, AUTOSOMAL RECESSIVE 1, WITH BATHING SUIT DISTRIBUTION. Identifiers: MedGen C4551630, MONDO:0009441, OMIM 242300.

Submission:

Myriad Genetics, Inc.
Classification: Likely pathogenic for Autosomal recessive congenital ichthyosis 1. Last evaluated: 2022-04-20. Review status: criteria provided, single submitter. Criteria: Myriad Women's Health Autosomal Recessive and X-Linked Classification Criteria (2021). Collection method: clinical testing. Allele origin: unknown.
Comment: NM_000359.2(TGM1):c.771C>A(Y257*) is expected to be pathogenic in the context of TGM1-related autosomal recessive congenital ichthyosis. This variant is predicted to lead to an abnormal or absent protein product due to the creation of a premature termination codon in TGM1, a gene where loss-of-function variants are known to be pathogenic. Please note: this variant was assessed in the context of healthy population screening.

NM_000359.3(TGM1):c.771C>A (p.Tyr257Ter)

Gene: TGM1 (transglutaminase 1; minus strand). Cytogenetic location: 14q12.
Variant type: single nucleotide variant.
Coding change: c.771C>A on transcript NM_000359.3 (MANE Select); coding-DNA position 771, C replaced by A.
Protein change: p.Tyr257Ter; replaces tyrosine 257 with a stop codon.
Molecular consequence: nonsense.
Genome position (GRCh38, 1-based): chr14:24,260,045, G>T on the plus strand (C>A on the coding strand, the complement: TGM1 is on the minus strand). VCF-style: chr14-24260045-G-T. GRCh37 (hg19) VCF-style: chr14-24729251-G-T.
Other names: short protein forms Y257*.
Identifiers: ClinVar variation 1725941 (VCV001725941.2), dbSNP rs141590446, ClinGen allele CA389270701.
Genomic context (GRCh38, chr14:24,260,045, plus strand): 5'-GTAGTAAATTCTCCCAGACTCATTAAGAACATACTCCTGCCGCCAATCCTCATGGTCCAC[G>T]TACACAATGTCCTCTGTGTCCCCAGAACACACAAAACTGGTTCCCTCCAGTTCTCTCCCT-3'